The following is an entry in ClinVar:

ClinVar aggregate classification (germline): Uncertain significance (1 of 4 stars; one submission).

Allele frequency attached by ClinVar (database versions not stated): TOPMed 0.00001.
gnomAD v4.1: 5 of 1,613,678 alleles (0.00031%); highest among the groups gnomAD compares: Admixed American, 0.0067%; no homozygotes.

Submission:

Labcorp Genetics (formerly Invitae), Labcorp
Classification: Uncertain significance. Last evaluated: 2023-08-04. Review status: criteria provided, single submitter. Criteria: Invitae Variant Classification Sherloc (09022015). Collection method: clinical testing. Allele origin: germline.
Comment: This variant has not been reported in the literature in individuals affected with NPR3-related conditions. This sequence change replaces methionine, which is neutral and non-polar, with lysine, which is basic and polar, at codon 498 of the NPR3 protein (p.Met498Lys). This variant is present in population databases (no rsID available, gnomAD 0.01%). ClinVar contains an entry for this variant (Variation ID: 1967321). An algorithm developed to predict the effect of missense changes on protein structure and function (PolyPhen-2) suggests that this variant is likely to be disruptive. In summary, the available evidence is currently insufficient to determine the role of this variant in disease. Therefore, it has been classified as a Variant of Uncertain Significance.

NM_001204375.2(NPR3):c.1496T>A (p.Met499Lys)

Gene: NPR3 (natriuretic peptide receptor 3; plus strand). Cytogenetic location: 5p13.3.
Variant type: single nucleotide variant.
Coding change: c.1496T>A on transcript NM_001204375.2 (MANE Select); coding-DNA position 1496, T replaced by A.
Protein change: p.Met499Lys; replaces methionine 499 with lysine.
Molecular consequence: missense variant.
Genome position (GRCh38, 1-based): chr5:32,784,865, T>A. VCF-style: chr5-32784865-T-A. GRCh37 (hg19) VCF-style: chr5-32784971-T-A.
Other names: c.1493T>A, p.Met498Lys (NM_000908.4); c.845T>A, p.Met282Lys (NM_001204376.2); c.848T>A, p.Met283Lys (NM_001363652.2); c.776T>A, p.Met259Lys (NM_001364458.2); c.725T>A, p.Met242Lys (NM_001364460.2); short protein forms M259K, M282K, M498K, M242K, M283K, M499K.
Identifiers: ClinVar variation 1967321 (VCV001967321.5), dbSNP rs1323427549, ClinGen allele CA359468903.
Genomic context (GRCh38, chr5:32,784,865, plus strand): 5'-TAGAAGAATCGGCAGTGACAGGAATTGTCGTGGGGGCTTTACTAGGAGCTGGCTTGCTAA[T>A]GGCCTTCTACTTTTTCAGGTGAGGACGGTTTGTAAAGGTACAATTCACTCTCTTCTGCTG-3'
Protein context (NP_001191304.1, residues 489-509): VGALLGAGLL[Met499Lys]AFYFFRKKYR